The following is an entry in ClinVar:

ClinVar aggregate classification (germline): Conflicting classifications of pathogenicity. Review status: criteria provided, conflicting classifications (1 of 4 stars). 3 submissions from 3 submitters: Uncertain significance (1); Benign (1); Likely benign (1). Last evaluated 2026-04-14.

Conditions:
Cholestasis, progressive familial intrahepatic, 7, with or without hearing loss. Identifiers: MedGen C5562043, MONDO:0030503, OMIM 619658.
USP53-related disorder. Also called: USP53-related condition.

Allele frequency attached by ClinVar (database versions not stated): gnomAD exomes 0.00020; ExAC 0.00064; 1000 Genomes Project 30x 0.00094; 1000 Genomes Project 0.00100; ESP Exome Variant Server 0.00184; gnomAD 0.00207; TOPMed 0.00224.
gnomAD v4.1: 627 of 1,613,548 alleles (0.039%); highest among the groups gnomAD compares: African/African-American, 0.71%; 1 homozygote.

Submissions (3):

PreventionGenetics, part of Exact Sciences
Classification: Likely benign for USP53-related condition. Last evaluated: 2026-04-14. Review status: criteria provided, single submitter. Criteria: ACMG Guidelines, 2015. Collection method: clinical testing. Allele origin: germline.
Comment: This variant is classified as likely benign based on ACMG/AMP sequence variant interpretation guidelines (Richards et al. 2015 PMID: 25741868, with internal and published modifications).

Labcorp Genetics (formerly Invitae), Labcorp
Classification: Benign. Last evaluated: 2025-12-18. Review status: criteria provided, single submitter. Criteria: Invitae Variant Classification Sherloc (09022015). Collection method: clinical testing. Allele origin: germline.

Victorian Clinical Genetics Services, Murdoch Childrens Research Institute
Classification: Uncertain significance for Cholestasis, progressive familial intrahepatic, 7, with or without hearing loss. Last evaluated: 2020-07-02. Review status: criteria provided, single submitter. Criteria: ACMG Guidelines, 2015. Collection method: clinical testing. Allele origin: germline. Inheritance: Autosomal recessive inheritance.
Comment: Based on the classification scheme VCGS_Germline_v1.3.3, this variant is classified as 3C-VUS. Following criteria are met: 0102 - Loss of function is a known mechanism of disease in this gene and is associated with low-GGT intrahepatic cholestasis (PMID: 32124521). (I) 0106 - This gene is associated with autosomal recessive disease (PMID: 32124521). (I) 0200 - Variant is predicted to result in a missense amino acid change from glycine to serine (exon 15). (I) 0304 - Variant is present in gnomAD <0.01 for a recessive condition (313 heterozygotes, 0 homozygotes). (SP) 0503 - Missense variant consistently predicted to be tolerated by multiple in silico tools or not conserved in placental mammals with a minor amino acid change. (SB) 0604 - Variant is not located in an established domain, motif, hotspot or informative constraint region. (I) 0705 - No comparable missense variants have previous evidence for pathogenicity. (I) 0807 - This variant has no previous evidence of pathogenicity. (I) 0905 - No published segregation evidence has been identified for this variant. (I) 1007 - No published functional evidence has been identified for this variant. (I) 1208 - Inheritance information for this variant is not currently available in this individual. (I) Legend: (SP) - Supporting pathogenic, (I) - Information, (SB) - Supporting benign

Literature cited by the submitters: PubMed 32124521 (cited by Victorian Clinical Genetics Services, Murdoch Childrens Research Institute).

NM_001371395.1(USP53):c.2002G>A (p.Gly668Ser)

Gene: USP53 (ubiquitin specific peptidase 53; plus strand). Cytogenetic location: 4q26.
Variant type: single nucleotide variant.
Coding change: c.2002G>A on transcript NM_001371395.1 (MANE Select); coding-DNA position 2002, G replaced by A.
Protein change: p.Gly668Ser; replaces glycine 668 with serine.
Molecular consequence: missense variant.
Genome position (GRCh38, 1-based): chr4:119,271,862, G>A. VCF-style: chr4-119271862-G-A. GRCh37 (hg19) VCF-style: chr4-120193017-G-A.
Other names: c.1849G>A, p.Gly617Ser (NM_001371396.1, NM_001389661.1); c.2002G>A, p.Gly668Ser (NM_001371397.1, NM_001371398.1, NM_001371399.1 and 3 more transcripts); c.1852G>A, p.Gly618Ser (NM_001389660.1); c.1654G>A, p.Gly552Ser (NM_001389662.1, NM_001389663.1, NM_001389664.1 and 1 more transcripts); c.1501G>A, p.Gly501Ser (NM_001389665.1, NM_001389667.1); short protein forms G501S, G552S, G617S, G618S, G668S.
Identifiers: ClinVar variation 1805620 (VCV001805620.7), dbSNP rs61730004, ClinGen allele CA3059256.